The following is an entry in ClinVar:

ClinVar aggregate classification (germline): Uncertain significance (1 of 4 stars; one submission).

Submission:

Labcorp Genetics (formerly Invitae), Labcorp
Classification: Uncertain significance. Last evaluated: 2026-01-26. Review status: criteria provided, single submitter. Criteria: Invitae Variant Classification Sherloc (09022015). Collection method: clinical testing. Allele origin: germline.
Comment: This sequence change replaces proline, which is neutral and non-polar, with arginine, which is basic and polar, at codon 1481 of the POLE protein (p.Pro1481Arg). This variant is not present in population databases (gnomAD no frequency). This variant has not been reported in the literature in individuals affected with POLE-related conditions. An algorithm developed to predict the effect of missense changes on protein structure and function (PolyPhen-2) suggests that this variant is likely to be tolerated. In summary, the available evidence is currently insufficient to determine the role of this variant in disease. Therefore, it has been classified as a Variant of Uncertain Significance.

NM_006231.4(POLE):c.4442C>G (p.Pro1481Arg)

Gene: POLE (DNA polymerase epsilon, catalytic subunit; minus strand). Cytogenetic location: 12q24.33.
Variant type: single nucleotide variant.
Coding change: c.4442C>G on transcript NM_006231.4 (MANE Select); coding-DNA position 4442, C replaced by G.
Protein change: p.Pro1481Arg; replaces proline 1481 with arginine.
Molecular consequence: missense variant.
Genome position (GRCh38, 1-based): chr12:132,643,409, G>C on the plus strand (C>G on the coding strand, the complement: POLE is on the minus strand). VCF-style: chr12-132643409-G-C. GRCh37 (hg19) VCF-style: chr12-133219995-G-C.
Other names: short protein forms P1481R.
Identifiers: ClinVar variation 4694490 (VCV004694490.1).